The following is an entry in ClinVar:

ClinVar aggregate classification (germline): Uncertain significance (1 of 4 stars; one submission).

Conditions:
Aortic aneurysm, familial thoracic 8 (AAT8). Identifiers: MedGen C3809513, MONDO:0014187, OMIM 615436.

Submission:

Labcorp Genetics (formerly Invitae), Labcorp
Classification: Uncertain significance for Aortic aneurysm, familial thoracic 8. Last evaluated: 2022-07-06. Review status: criteria provided, single submitter. Criteria: Invitae Variant Classification Sherloc (09022015). Collection method: clinical testing. Allele origin: germline.
Comment: In summary, the available evidence is currently insufficient to determine the role of this variant in disease. Therefore, it has been classified as a Variant of Uncertain Significance. A similar copy number variant has been observed in individual(s) with clinical features of PRKG1-related condition (Invitae). This variant is a gross deletion of the genomic region encompassing exon(s) 5 of the PRKG1 gene. This deletion is out-of-frame, and is expected to create a premature translational stop signal and result in an absent or disrupted protein product. However, the current clinical and genetic evidence is not sufficient to establish whether loss-of-function variants in PRKG1 cause disease.

NC_000010.10:g.(?_53667247)_(53769653_?)del

Gene: PRKG1 (protein kinase cGMP-dependent 1; plus strand). Cytogenetic location: 10q21.1.
Variant type: Deletion.
Identifiers: ClinVar variation 1446921 (VCV001446921.5).